The following is an entry in ClinVar:

ClinVar aggregate classification (germline): Uncertain significance (1 of 4 stars; one submission).

Conditions:
Hereditary cancer-predisposing syndrome. Also called: Neoplastic Syndromes, Hereditary; Tumor predisposition; Hereditary Cancer Syndrome; Hereditary neoplastic syndrome. Identifiers: Orphanet 140162, MedGen C0027672, MeSH D009386, MONDO:0015356.

Submission:

Ambry Genetics
Classification: Uncertain significance for Hereditary cancer-predisposing syndrome. Last evaluated: 2019-12-20. Review status: criteria provided, single submitter. Criteria: Ambry Variant Classification Scheme 2023. Collection method: clinical testing. Allele origin: germline.
Comment: The c.3607_3621del15 variant (also known as p.H1203_H1207del) is located in coding exon 7 of the MSH6 gene. This variant results from an in-frame deletion if 15 nucleotides at positions 3607 to 3621. This results in the deletion of five amino acids between codons 1203 and 1207. Since supporting evidence is limited at this time, the clinical significance of this alteration remains unclear.

NM_000179.3(MSH6):c.3607_3621del (p.His1203_His1207del)

Gene: MSH6 (mutS homolog 6; plus strand). Cytogenetic location: 2p16.3.
Variant type: Deletion.
Coding change: c.3607_3621del on transcript NM_000179.3 (MANE Select); coding-DNA positions 3607 to 3621, 15 bases deleted (CATGCAACAGCACAT).
Protein change: p.His1203_His1207del.
Molecular consequence: inframe deletion. On other transcripts: inframe indel (39).
Genome position (GRCh38, 1-based): chr2:47,805,668-47,805,682, CATGCAACAGCACAT deleted. VCF-style (leftmost placement, unchanged base first): chr2-47805667-GCATGCAACAGCACAT-G. GRCh37 (hg19) VCF-style: chr2-48032806-GCATGCAACAGCACAT-G.
Other names: c.3217_3231del, p.His1073_His1077del (NM_001281492.2); c.2701_2715del, p.His901_His905del (NM_001281493.2, NM_001281494.2); c.3703_3717delCATGCAACAGCACAT, p.His1235_His1239del (NM_001406795.1, NM_001406802.1); c.3607_3621delCATGCAACAGCACAT, p.His1203_His1207del (NM_001406796.1, NM_001406800.1, NM_001406808.1 and 1 more transcripts); c.3310_3324delCATGCAACAGCACAT, p.His1104_His1108del (NM_001406797.1, NM_001406801.1, NM_001406805.1 and 10 more transcripts); c.3433_3447delCATGCAACAGCACAT, p.His1145_His1149del (NM_001406798.1); c.3082_3096delCATGCAACAGCACAT, p.His1028_His1032del (NM_001406799.1, NM_001406806.1, NM_001406807.1); c.2743_2757delCATGCAACAGCACAT, p.His915_His919del (NM_001406803.1); and 9 more.
Identifiers: ClinVar variation 1733161 (VCV001733161.2), dbSNP rs2530824133, ClinGen allele CA2580067250.